The following is an entry in ClinVar:

ClinVar aggregate classification (germline): Uncertain significance (1 of 4 stars; one submission).

Conditions:
Dilated cardiomyopathy 1DD (CMD1DD). Identifiers: Orphanet 154, MedGen C2750995, MONDO:0013168, OMIM 613172.

Submission:

Labcorp Genetics (formerly Invitae), Labcorp
Classification: Uncertain significance for Dilated cardiomyopathy 1DD. Last evaluated: 2024-09-09. Review status: criteria provided, single submitter. Criteria: Invitae Variant Classification Sherloc (09022015). Collection method: clinical testing. Allele origin: germline.
Comment: This sequence change replaces arginine, which is basic and polar, with glycine, which is neutral and non-polar, at codon 673 of the RBM20 protein (p.Arg673Gly). This variant is not present in population databases (gnomAD no frequency). This variant has not been reported in the literature in individuals affected with RBM20-related conditions. Invitae Evidence Modeling of protein sequence and biophysical properties (such as structural, functional, and spatial information, amino acid conservation, physicochemical variation, residue mobility, and thermodynamic stability) indicates that this missense variant is not expected to disrupt RBM20 protein function with a negative predictive value of 95%. In summary, the available evidence is currently insufficient to determine the role of this variant in disease. Therefore, it has been classified as a Variant of Uncertain Significance.

NM_001134363.3(RBM20):c.2017C>G (p.Arg673Gly)

Gene: RBM20 (RNA binding motif protein 20; plus strand). Cytogenetic location: 10q25.2.
Variant type: single nucleotide variant.
Coding change: c.2017C>G on transcript NM_001134363.3 (MANE Select); coding-DNA position 2017, C replaced by G.
Protein change: p.Arg673Gly; replaces arginine 673 with glycine.
Molecular consequence: missense variant.
Genome position (GRCh38, 1-based): chr10:110,812,414, C>G. VCF-style: chr10-110812414-C-G. GRCh37 (hg19) VCF-style: chr10-112572172-C-G.
Other names: short protein forms R673G.
Identifiers: ClinVar variation 3636973 (VCV003636973.2).